The following is an entry in ClinVar:

NM_001020658.2(PUM1):c.1663C>T (p.Pro555Ser)

Gene: PUM1 (pumilio RNA binding family member 1; minus strand). Cytogenetic location: 1p35.2.
Variant type: single nucleotide variant.
Coding change: c.1663C>T on transcript NM_001020658.2 (MANE Select); coding-DNA position 1663, C replaced by T.
Protein change: p.Pro555Ser; replaces proline 555 with serine.
Molecular consequence: missense variant.
Genome position (GRCh38, 1-based): chr1:30,967,293, G>A on the plus strand (C>T on the coding strand, the complement: PUM1 is on the minus strand). VCF-style: chr1-30967293-G-A. GRCh37 (hg19) VCF-style: chr1-31440140-G-A.
Other names: c.1663C>T, p.Pro555Ser (NM_014676.3); short protein forms P555S.
Identifiers: ClinVar variation 5018118 (VCV005018118.1).

ClinVar aggregate classification (germline): Uncertain significance (1 of 4 stars; one submission).

Submission:

GeneDx
Classification: Uncertain significance. Last evaluated: 2026-04-06. Review status: criteria provided, single submitter. Criteria: GeneDx Variant Classification Process June 2021. Collection method: clinical testing. Allele origin: germline.
Comment: Not observed at significant frequency in large population cohorts (gnomAD); In silico analysis supports that this missense variant has a deleterious effect on protein structure/function; Has not been previously published as pathogenic or benign to our knowledge